The following is an entry in ClinVar:

NM_001370259.2(MEN1):c.1676A>G (p.Lys559Arg)

Gene: MEN1 (menin 1; minus strand). Cytogenetic location: 11q13.1.
Variant type: single nucleotide variant.
Coding change: c.1676A>G on transcript NM_001370259.2 (MANE Select); coding-DNA position 1676, A replaced by G.
Protein change: p.Lys559Arg; replaces lysine 559 with arginine.
Molecular consequence: missense variant. On other transcripts: non-coding transcript variant (4).
Genome position (GRCh38, 1-based): chr11:64,804,491, T>C on the plus strand (A>G on the coding strand, the complement: MEN1 is on the minus strand). VCF-style: chr11-64804491-T-C. GRCh37 (hg19) VCF-style: chr11-64571963-T-C.
Other names: c.1691A>G, p.Lys564Arg (NM_000244.4, NM_001407145.1, NM_130800.3 and 4 more transcripts); c.1802A>G, p.Lys601Arg (NM_001370251.2, NM_001407142.1, NM_001407143.1 and 1 more transcripts); c.1676A>G, p.Lys559Arg (NM_001370260.2, NM_001370261.2, NM_001407146.1 and 2 more transcripts); c.1571A>G, p.Lys524Arg (NM_001370262.2, NM_001370263.2, NM_001407148.1 and 1 more transcripts); c.1817A>G, p.Lys606Arg (NM_001407150.1); c.1697A>G, p.Lys566Arg (NM_001407151.1); c.1511A>G, p.Lys504Arg (NM_001407152.1); short protein forms K504R, K524R, K566R, K559R, K564R, K606R, K601R.
Identifiers: ClinVar variation 3634184 (VCV003634184.2).
Genomic context (GRCh38, chr11:64,804,491, plus strand): 5'-AGTTGCAGCTTGATGGCGCTCGAGTTGATCTTGGTGGCCACCAGCAGCTCCTTCATGCCC[T>C]TCATCTTCTCACTCTGGAAAGTGAGCACTGGACCCTCCGGCGGTGGTGATGCTGTGGGTG-3'
Protein context (NP_001357188.2, residues 549-569): PVLTFQSEKM[Lys559Arg]GMKELLVATK

ClinVar aggregate classification (germline): Uncertain significance (1 of 4 stars; one submission).

Conditions:
Multiple endocrine neoplasia, type 1 (MEN1). Also called: MEN I; WERMER SYNDROME; Endocrine adenomatosis multiple; MEN 1; MEA I. Identifiers: Orphanet 652, MedGen C0025267, MeSH D018761, MONDO:0007540, OMIM 131100.

gnomAD v4.1: 1 of 1,614,162 alleles (0.000062%); highest among the groups gnomAD compares: Non-Finnish European, 0.000085%; no homozygotes.

Submission:

Labcorp Genetics (formerly Invitae), Labcorp
Classification: Uncertain significance for Multiple endocrine neoplasia, type 1. Last evaluated: 2024-04-11. Review status: criteria provided, single submitter. Criteria: Invitae Variant Classification Sherloc (09022015). Collection method: clinical testing. Allele origin: germline.
Comment: This sequence change replaces lysine, which is basic and polar, with arginine, which is basic and polar, at codon 559 of the MEN1 protein (p.Lys559Arg). This variant is not present in population databases (gnomAD no frequency). This variant has not been reported in the literature in individuals affected with MEN1-related conditions. Advanced modeling of protein sequence and biophysical properties (such as structural, functional, and spatial information, amino acid conservation, physicochemical variation, residue mobility, and thermodynamic stability) performed at Invitae indicates that this missense variant is expected to disrupt MEN1 protein function with a positive predictive value of 95%. In summary, the available evidence is currently insufficient to determine the role of this variant in disease. Therefore, it has been classified as a Variant of Uncertain Significance.